The following is an entry in ClinVar:

ClinVar aggregate classification (germline): Uncertain significance (1 of 4 stars; one submission).

Conditions:
Myofibrillar myopathy 4. Also called: Zaspopathy (type). Identifiers: Orphanet 98912, MedGen C4721886, MONDO:0012277, OMIM 609452.

Submission:

Labcorp Genetics (formerly Invitae), Labcorp
Classification: Uncertain significance for Myofibrillar myopathy 4. Last evaluated: 2022-06-19. Review status: criteria provided, single submitter. Criteria: Invitae Variant Classification Sherloc (09022015). Collection method: clinical testing. Allele origin: germline.
Comment: In summary, the available evidence is currently insufficient to determine the role of this variant in disease. Therefore, it has been classified as a Variant of Uncertain Significance. Experimental studies and prediction algorithms are not available or were not evaluated, and the functional significance of this variant is currently unknown. This variant has not been reported in the literature in individuals affected with LDB3-related conditions. This variant is not present in population databases (gnomAD no frequency). This sequence change replaces methionine, which is neutral and non-polar, with leucine, which is neutral and non-polar, at codon 622 of the LDB3 protein (p.Met622Leu). The LDB3 gene has multiple clinically relevant transcripts. This variant occurs in alternate transcript NM_007078.3, and corresponds to NM_001080116.1:c.*19359A>T in the primary transcript.

NM_007078.3(LDB3):c.1864A>T (p.Met622Leu)

Gene: LDB3 (LIM domain binding 3; plus strand). Cytogenetic location: 10q23.2.
Variant type: single nucleotide variant.
Coding change: c.1864A>T on transcript NM_007078.3 (MANE Select); coding-DNA position 1864, A replaced by T.
Protein change: p.Met622Leu; replaces methionine 622 with leucine.
Molecular consequence: missense variant.
Genome position (GRCh38, 1-based): chr10:86,718,733, A>T. VCF-style: chr10-86718733-A-T. GRCh37 (hg19) VCF-style: chr10-88478490-A-T.
Other names: c.1534A>T, p.Met512Leu (NM_001080114.2); c.1879A>T, p.Met627Leu (NM_001171610.2); c.1675A>T, p.Met559Leu (NM_001368064.1, NM_001368065.1); c.1723A>T, p.Met575Leu (NM_001368066.1); short protein forms M559L, M512L, M622L, M575L, M627L.
Identifiers: ClinVar variation 2008508 (VCV002008508.4), dbSNP rs2492819710, ClinGen allele CA377453018.